The following is an entry in ClinVar:

ClinVar aggregate classification (germline): Uncertain significance (1 of 4 stars; one submission).

Submission:

Ambry Genetics
Classification: Uncertain significance. Last evaluated: 2024-11-23. Review status: criteria provided, single submitter. Criteria: Ambry Variant Classification Scheme 2023. Collection method: clinical testing. Allele origin: germline.
Comment: The p.H262Q variant (also known as c.786T>A), located in coding exon 7 of the RAD51B gene, results from a T to A substitution at nucleotide position 786. The histidine at codon 262 is replaced by glutamine, an amino acid with highly similar properties. This amino acid position is conserved. In addition, this alteration is predicted to be tolerated by in silico analysis. Based on the available evidence, the clinical significance of this variant remains unclear.

NM_133510.4(RAD51B):c.786T>A (p.His262Gln)

Gene: RAD51B (RAD51 paralog B; plus strand). Cytogenetic location: 14q24.1.
Variant type: single nucleotide variant.
Coding change: c.786T>A on transcript NM_133510.4 (MANE Select); coding-DNA position 786, T replaced by A.
Protein change: p.His262Gln; replaces histidine 262 with glutamine.
Molecular consequence: missense variant.
Genome position (GRCh38, 1-based): chr14:68,291,913, T>A. VCF-style: chr14-68291913-T-A. GRCh37 (hg19) VCF-style: chr14-68758630-T-A.
Other names: c.786T>A, p.His262Gln (NM_001321809.2, NM_001321810.2, NM_001321812.1 and 6 more transcripts); c.672T>A, p.His224Gln (NM_001321815.1); c.429T>A, p.His143Gln (NM_001321817.2); short protein forms H224Q, H262Q, H143Q.
Identifiers: ClinVar variation 3429645 (VCV003429645.1).
Genomic context (GRCh38, chr14:68,291,913, plus strand): 5'-CCCCCTACCCCTTCTCCCTGTCTGTTCACAGGTTATCTTGACGAATCAGATTACAACCCA[T>A]CTGAGTGGAGCCCTGGCTTCTCAGGCAGACCTGGTGTCTCCAGCTGATGATTTGTCCCTG-3'
Protein context (NP_598194.1, residues 252-272): PVILTNQITT[His262Gln]LSGALASQAD